The following is an entry in ClinVar:

NM_004006.3(DMD):c.3029C>A (p.Ala1010Glu)

Gene: DMD (dystrophin; minus strand). Cytogenetic location: Xp21.1.
Variant type: single nucleotide variant.
Coding change: c.3029C>A on transcript NM_004006.3 (MANE Select); coding-DNA position 3029, C replaced by A.
Protein change: p.Ala1010Glu; replaces alanine 1010 with glutamic acid.
Molecular consequence: missense variant.
Genome position (GRCh38, 1-based): chrX:32,468,631, G>T on the plus strand (C>A on the coding strand, the complement: DMD is on the minus strand). VCF-style: chrX-32468631-G-T. GRCh37 (hg19) VCF-style: chrX-32486748-G-T.
Other names: c.3005C>A, p.Ala1002Glu (NM_000109.4); c.3017C>A, p.Ala1006Glu (NM_004009.3); c.2660C>A, p.Ala887Glu (NM_004010.3); c.3029C>A (NM_004006.2); short protein forms A1002E, A1006E, A1010E, A887E.
Identifiers: ClinVar variation 1052983 (VCV001052983.11), dbSNP rs780896933, ClinGen allele CA412667024.

ClinVar aggregate classification (germline): Uncertain significance. Review status: criteria provided, multiple submitters, no conflicts (2 of 4 stars). 3 submissions from 3 submitters: Uncertain significance (2). 1 of the submissions does not count toward it. Last evaluated 2025-08-31.

Conditions:
Cardiomyopathy (CMYO). Also called: Cardiomyopathies. Identifiers: Orphanet 167848, MedGen C0878544, MONDO:0004994, HP:0001638. Inheritance: Various modes of inheritance.
Dystrophin deficiency.
Duchenne muscular dystrophy (DMD). Also called: MUSCULAR DYSTROPHY, PSEUDOHYPERTROPHIC PROGRESSIVE, DUCHENNE TYPE; Duchenne Muscular Dystrophy (DMD). Identifiers: Orphanet 98896, MedGen C0013264, MONDO:0010679, OMIM 310200.
Becker muscular dystrophy (BMD). Also called: Becker Muscular Dystrophy (BMD); MUSCULAR DYSTROPHY, PSEUDOHYPERTROPHIC PROGRESSIVE, BECKER TYPE. Identifiers: Orphanet 98895, MedGen C0917713, MONDO:0010311, OMIM 300376.

Allele frequency attached by ClinVar (database versions not stated): gnomAD 0.00001.
gnomAD v4.1: 2 of 1,209,080 alleles (0.00017%); highest among the groups gnomAD compares: Non-Finnish European, 0.00022%; no homozygotes.

Submissions (3):

Labcorp Genetics (formerly Invitae), Labcorp
Classification: Uncertain significance for Duchenne muscular dystrophy. Last evaluated: 2025-08-31. Review status: criteria provided, single submitter. Criteria: Invitae Variant Classification Sherloc (09022015). Collection method: clinical testing. Allele origin: germline.
Comment: This sequence change replaces alanine, which is neutral and non-polar, with glutamic acid, which is acidic and polar, at codon 1010 of the DMD protein (p.Ala1010Glu). This variant is not present in population databases (gnomAD no frequency). This variant has not been reported in the literature in individuals affected with DMD-related conditions. ClinVar contains an entry for this variant (Variation ID: 1052983). Invitae Evidence Modeling of protein sequence and biophysical properties (such as structural, functional, and spatial information, amino acid conservation, physicochemical variation, residue mobility, and thermodynamic stability) indicates that this missense variant is not expected to disrupt DMD protein function with a negative predictive value of 95%. In summary, the available evidence is currently insufficient to determine the role of this variant in disease. Therefore, it has been classified as a Variant of Uncertain Significance.

GeneDx
Classification: Uncertain significance. Last evaluated: 2023-05-08. Review status: criteria provided, single submitter. Criteria: GeneDx Variant Classification Process June 2021. Collection method: clinical testing. Allele origin: germline. Affected: yes.
Comment: Not observed at significant frequency in large population cohorts (gnomAD); In silico analysis supports that this missense variant does not alter protein structure/function; Has not been previously published as pathogenic or benign to our knowledge

Natera, Inc.
Classification: Uncertain significance for Becker muscular dystrophy; Cardiomyopathy; Duchenne muscular dystrophy; Dystrophin deficiency. Last evaluated: 2018-10-08. Review status: no assertion criteria provided. Collection method: clinical testing. Allele origin: germline. Not counted in ClinVar's aggregate classification.